The following is an entry in ClinVar:

NM_001042681.2(RERE):c.1850C>T (p.Ala617Val)

Gene: RERE (arginine-glutamic acid dipeptide repeats; minus strand). Cytogenetic location: 1p36.23.
Variant type: single nucleotide variant.
Coding change: c.1850C>T on transcript NM_001042681.2 (MANE Select); coding-DNA position 1850, C replaced by T.
Protein change: p.Ala617Val; replaces alanine 617 with valine.
Molecular consequence: missense variant.
Genome position (GRCh38, 1-based): chr1:8,362,735, G>A on the plus strand (C>T on the coding strand, the complement: RERE is on the minus strand). VCF-style: chr1-8362735-G-A. GRCh37 (hg19) VCF-style: chr1-8422795-G-A.
Other names: c.188C>T, p.Ala63Val (NM_001042682.2); c.1850C>T, p.Ala617Val (NM_012102.4); c.1850C>T (NM_012102.3); short protein forms A617V, A63V.
Identifiers: ClinVar variation 2638175 (VCV002638175.25), dbSNP rs1275007853, ClinGen allele CA338173874.

ClinVar aggregate classification (germline): Uncertain significance. Review status: criteria provided, multiple submitters, no conflicts (2 of 4 stars). 2 submissions from 2 submitters: Uncertain significance (2). Last evaluated 2024-04-17.

Conditions:
Inborn genetic diseases. Identifiers: MedGen C0950123, MeSH D030342.

Allele frequency attached by ClinVar (database versions not stated): TOPMed below 0.00001; gnomAD 0.00001; gnomAD exomes 0.00001.
gnomAD v4.1: 5 of 1,614,112 alleles (0.00031%); highest among the groups gnomAD compares: Non-Finnish European, 0.00042%; no homozygotes.

Submissions (2):

Ambry Genetics
Classification: Uncertain significance for Inborn genetic diseases. Last evaluated: 2024-04-17. Review status: criteria provided, single submitter. Criteria: Ambry Variant Classification Scheme 2023. Collection method: clinical testing. Allele origin: germline.

CeGaT Center for Human Genetics Tuebingen
Classification: Uncertain significance. Last evaluated: 2023-03-01. Review status: criteria provided, single submitter. Criteria: CeGaT Center For Human Genetics Tuebingen Variant Classification Criteria Version 2. Collection method: clinical testing. Allele origin: germline. Affected: yes. Observed: 1 variant allele.
Comment: RERE: PM2:Supporting